The following is an entry in ClinVar:

ClinVar aggregate classification (germline): Uncertain significance (1 of 4 stars; one submission).

Conditions:
Primary ciliary dyskinesia. Also called: Ciliary dyskinesia. Identifiers: Orphanet 244, MedGen C0008780, MONDO:0016575, HP:0012265.

Allele frequency attached by ClinVar (database versions not stated): gnomAD exomes 0.00001; gnomAD 0.00002; TOPMed 0.00006; ExAC 0.00013.
gnomAD v4.1: 22 of 1,576,346 alleles (0.0014%); highest among the groups gnomAD compares: East Asian, 0.044%; no homozygotes.

Submission:

Labcorp Genetics (formerly Invitae), Labcorp
Classification: Uncertain significance for Primary ciliary dyskinesia. Last evaluated: 2025-02-03. Review status: criteria provided, single submitter. Criteria: Invitae Variant Classification Sherloc (09022015). Collection method: clinical testing. Allele origin: germline.
Comment: This sequence change replaces tyrosine, which is neutral and polar, with histidine, which is basic and polar, at codon 101 of the CCNO protein (p.Tyr101His). The frequency data for this variant in the population databases is considered unreliable, as metrics indicate poor data quality at this position in the gnomAD database. This variant has not been reported in the literature in individuals affected with CCNO-related conditions. ClinVar contains an entry for this variant (Variation ID: 2169682). Invitae Evidence Modeling of protein sequence and biophysical properties (such as structural, functional, and spatial information, amino acid conservation, physicochemical variation, residue mobility, and thermodynamic stability) indicates that this missense variant is not expected to disrupt CCNO protein function with a negative predictive value of 80%. In summary, the available evidence is currently insufficient to determine the role of this variant in disease. Therefore, it has been classified as a Variant of Uncertain Significance.

NM_021147.5(CCNO):c.301T>C (p.Tyr101His)

Genes: CCNO (cyclin O; minus strand), LOC129993895 (ATAC-STARR-seq lymphoblastoid silent region 16013; plus strand). Cytogenetic location: 5q11.2.
Variant type: single nucleotide variant.
Coding change: c.301T>C on transcript NM_021147.5 (MANE Select); coding-DNA position 301, T replaced by C.
Protein change: p.Tyr101His; replaces tyrosine 101 with histidine.
Molecular consequence: missense variant. On other transcripts: non-coding transcript variant (2).
Genome position (GRCh38, 1-based): chr5:55,233,223, A>G on the plus strand (T>C on the coding strand, the complement: CCNO is on the minus strand). VCF-style: chr5-55233223-A-G. GRCh37 (hg19) VCF-style: chr5-54529051-A-G.
Other names: short protein forms Y101H.
Identifiers: ClinVar variation 2169682 (VCV002169682.4), dbSNP rs769780049, ClinGen allele CA3266815.